The following is an entry in ClinVar:

NM_000814.6(GABRB3):c.965T>C (p.Leu322Pro)

Gene: GABRB3 (gamma-aminobutyric acid type A receptor subunit beta3; minus strand). Cytogenetic location: 15q12.
Variant type: single nucleotide variant.
Coding change: c.965T>C on transcript NM_000814.6 (MANE Select); coding-DNA position 965, T replaced by C.
Protein change: p.Leu322Pro; replaces leucine 322 with proline.
Molecular consequence: missense variant.
Genome position (GRCh38, 1-based): chr15:26,561,047, A>G on the plus strand (T>C on the coding strand, the complement: GABRB3 is on the minus strand). VCF-style: chr15-26561047-A-G. GRCh37 (hg19) VCF-style: chr15-26806194-A-G.
Other names: c.710T>C, p.Leu237Pro (NM_001191320.2, NM_001278631.2); c.752T>C, p.Leu251Pro (NM_001191321.3); c.965T>C, p.Leu322Pro (NM_021912.5); short protein forms L237P, L251P, L322P.
Identifiers: ClinVar variation 4890695 (VCV004890695.1).

ClinVar aggregate classification (germline): Uncertain significance (1 of 4 stars; one submission).

Conditions:
Developmental and epileptic encephalopathy, 43 (DEE43). Also called: Epileptic encephalopathy, early infantile, 43. Identifiers: MedGen C4310712, MONDO:0014921, OMIM 617113.

Submission:

Institute of Human Genetics, University of Leipzig Medical Center
Classification: Uncertain significance for Developmental and epileptic encephalopathy, 43. Last evaluated: 2026-07-28. Review status: criteria provided, single submitter. Criteria: ACMG Guidelines, 2015. Collection method: clinical testing. Allele origin: unknown. Inheritance: Autosomal dominant inheritance. Affected: yes.
Comment: Criteria applied: PM2,PP2,PP3